The following is an entry in ClinVar:

ClinVar aggregate classification (germline): Likely benign (1 of 4 stars; one submission).

gnomAD v4.1: 19 of 1,612,246 alleles (0.0012%); highest among the groups gnomAD compares: Non-Finnish European, 0.0016%; no homozygotes.

Submission:

Mayo Clinic Laboratories, Mayo Clinic
Classification: Likely benign. Last evaluated: 2025-08-05. Review status: criteria provided, single submitter. Criteria: ACMG Guidelines, 2015. Collection method: clinical testing. Allele origin: germline. Observed: 1 variant allele.
Comment: BP4, BP7, PM2_supporting

NM_004370.6(COL12A1):c.4296G>C (p.Val1432=)

Gene: COL12A1 (collagen type XII alpha 1 chain; minus strand). Cytogenetic location: 6q13.
Variant type: single nucleotide variant.
Coding change: c.4296G>C on transcript NM_004370.6 (MANE Select); coding-DNA position 4296, G replaced by C.
Protein change: p.Val1432=; no amino-acid change (valine 1432 retained).
Molecular consequence: synonymous variant.
Genome position (GRCh38, 1-based): chr6:75,147,796, C>G on the plus strand (G>C on the coding strand, the complement: COL12A1 is on the minus strand). VCF-style: chr6-75147796-C-G. GRCh37 (hg19) VCF-style: chr6-75857512-C-G.
Other names: p.Val1432=; c.4296G>C, p.Val1432= (NM_001424113.1, NM_001424114.1); c.4023G>C, p.Val1341= (NM_001424115.1); c.804G>C, p.Val268= (NM_001424116.1, NM_080645.3).
Identifiers: ClinVar variation 4683207 (VCV004683207.1).